The following is an entry in ClinVar:

NM_004260.4(RECQL4):c.1377_1378del (p.Gly460fs)

Gene: RECQL4 (RecQ like helicase 4; minus strand). Cytogenetic location: 8q24.3.
Variant type: Deletion.
Coding change: c.1377_1378del on transcript NM_004260.4 (MANE Select); coding-DNA positions 1377 to 1378, 2 bases deleted (AG; older notation c.1377_1378delAG).
Protein change: p.Gly460fs; shifts the reading frame from glycine 460.
Molecular consequence: frameshift variant. On other transcripts: 5 prime UTR variant (1), non-coding transcript variant (3).
Genome position (GRCh38, 1-based): chr8:144,515,338-144,515,339, CT deleted on the plus strand (AG on the coding strand, the reverse complement: RECQL4 is on the minus strand). VCF-style (leftmost placement, unchanged base first): chr8-144515337-CCT-C. GRCh37 (hg19) VCF-style: chr8-145740721-CCT-C.
Other names: c.1248_1249del, p.Gly417fs (NM_001413025.1); c.240_241del, p.Gly81fs (NM_001413027.1, NM_001413030.1, NM_001413031.1 and 2 more transcripts); c.306_307del, p.Gly103fs (NM_001413028.1, NM_001413034.1, NM_001413035.1 and 8 more transcripts); c.1026_1027del, p.Gly343fs (NM_001413029.1); c.1377_1378del, p.Gly460fs (NM_001413033.1, NM_001413018.1, NM_001413019.1 and 2 more transcripts); c.1281_1282del, p.Gly428fs (NM_001413017.1, NM_001413020.1); c.-91_-90del (NM_001413043.1); short protein forms G81fs, G103fs, G343fs, G417fs, G460fs, G428fs.
Identifiers: ClinVar variation 2744013 (VCV002744013.3), dbSNP rs2538062813, ClinGen allele CA2697550230.

ClinVar aggregate classification (germline): Pathogenic (1 of 4 stars; one submission).

Conditions:
Baller-Gerold syndrome (BGS). Also called: CRANIOSYNOSTOSIS WITH RADIAL DEFECTS. Identifiers: Orphanet 1225, MedGen C0265308, MONDO:0009039, OMIM 218600.

Submission:

Labcorp Genetics (formerly Invitae), Labcorp
Classification: Pathogenic for Baller-Gerold syndrome. Last evaluated: 2024-05-21. Review status: criteria provided, single submitter. Criteria: Invitae Variant Classification Sherloc (09022015). Collection method: clinical testing. Allele origin: germline.
Comment: This sequence change creates a premature translational stop signal (p.Gly460Alafs*8) in the RECQL4 gene. It is expected to result in an absent or disrupted protein product. Loss-of-function variants in RECQL4 are known to be pathogenic (PMID: 12734318, 12952869). This variant is not present in population databases (gnomAD no frequency). This variant has not been reported in the literature in individuals affected with RECQL4-related conditions. For these reasons, this variant has been classified as Pathogenic.

Literature cited by the submitters: PubMed 12734318; PubMed 12952869.